The following is an entry in ClinVar:

NM_000338.3(SLC12A1):c.1687G>T (p.Glu563Ter)

Gene: SLC12A1 (solute carrier family 12 member 1; plus strand). Cytogenetic location: 15q21.1.
Variant type: single nucleotide variant.
Coding change: c.1687G>T on transcript NM_000338.3 (MANE Select); coding-DNA position 1687, G replaced by T.
Protein change: p.Glu563Ter; replaces glutamic acid 563 with a stop codon.
Molecular consequence: nonsense.
Genome position (GRCh38, 1-based): chr15:48,249,577, G>T. VCF-style: chr15-48249577-G-T. GRCh37 (hg19) VCF-style: chr15-48541774-G-T.
Other names: c.1687G>T, p.Glu563Ter (NM_001184832.2, NM_001384136.1); short protein forms E563*.
Identifiers: ClinVar variation 2863201 (VCV002863201.3), dbSNP rs539865839, ClinGen allele CA7547178.

ClinVar aggregate classification (germline): Pathogenic (1 of 4 stars; one submission).

Allele frequency attached by ClinVar (database versions not stated): 1000 Genomes Project 30x 0.00016; 1000 Genomes Project 0.00020.
gnomAD v4.1: 3 of 1,612,792 alleles (0.00019%); highest among the groups gnomAD compares: African/African-American, 0.0027%; no homozygotes.

Submission:

Labcorp Genetics (formerly Invitae), Labcorp
Classification: Pathogenic. Last evaluated: 2023-08-19. Review status: criteria provided, single submitter. Criteria: Invitae Variant Classification Sherloc (09022015). Collection method: clinical testing. Allele origin: germline.
Comment: For these reasons, this variant has been classified as Pathogenic. This variant has not been reported in the literature in individuals affected with SLC12A1-related conditions. This variant is present in population databases (rs539865839, gnomAD 0.007%). This sequence change creates a premature translational stop signal (p.Glu563*) in the SLC12A1 gene. It is expected to result in an absent or disrupted protein product. Loss-of-function variants in SLC12A1 are known to be pathogenic (PMID: 8640224, 9585600, 19096086).

Literature cited by the submitters: PubMed 8640224; PubMed 9585600; PubMed 19096086.